The following is an entry in ClinVar:

NM_014915.3(ANKRD26):c.799A>C (p.Asn267His)

Gene: ANKRD26 (ankyrin repeat domain containing 26; minus strand). Cytogenetic location: 10p12.1.
Variant type: single nucleotide variant.
Coding change: c.799A>C on transcript NM_014915.3 (MANE Select); coding-DNA position 799, A replaced by C.
Protein change: p.Asn267His; replaces asparagine 267 with histidine.
Molecular consequence: missense variant.
Genome position (GRCh38, 1-based): chr10:27,079,103, T>G on the plus strand (A>C on the coding strand, the complement: ANKRD26 is on the minus strand). VCF-style: chr10-27079103-T-G. GRCh37 (hg19) VCF-style: chr10-27368032-T-G.
Other names: c.799A>C, p.Asn267His (NM_001256053.2); short protein forms N267H.
Identifiers: ClinVar variation 4104547 (VCV004104547.1).

ClinVar aggregate classification (germline): Uncertain significance (1 of 4 stars; one submission).

Conditions:
Inborn genetic diseases. Identifiers: MedGen C0950123, MeSH D030342.

Submission:

Ambry Genetics
Classification: Uncertain significance for Inborn genetic diseases. Last evaluated: 2025-08-29. Review status: criteria provided, single submitter. Criteria: Ambry Variant Classification Scheme 2023. Collection method: clinical testing. Allele origin: germline.
Comment: The p.N267H variant (also known as c.799A>C), located in coding exon 7 of the ANKRD26 gene, results from an A to C substitution at nucleotide position 799. The asparagine at codon 267 is replaced by histidine, an amino acid with similar properties. This amino acid position is conserved. In addition, this alteration is predicted to be tolerated by in silico analysis. Based on the available evidence, the clinical significance of this variant remains unclear.